The following is an entry in ClinVar:

ClinVar aggregate classification (germline): Uncertain significance. Review status: criteria provided, multiple submitters, no conflicts (2 of 4 stars). 3 submissions from 3 submitters: Uncertain significance (3). Last evaluated 2025-12-30.

Conditions:
Kabuki syndrome. Also called: Kabuki make-up syndrome; NIIKAWA-KUROKI SYNDROME. Identifiers: Orphanet 2322, MedGen C0796004, MONDO:0016512.
Kabuki syndrome 1 (KABUK1). Also called: KMT2D-Related Kabuki Syndrome. Identifiers: Orphanet 2322, MedGen CN030661, MONDO:0007843, OMIM 147920.
Choanal atresia-athelia-hypothyroidism-delayed puberty-short stature syndrome (BCAHH). Also called: BRANCHIAL ARCH ABNORMALITIES, CHOANAL ATRESIA, ATHELIA, HEARING LOSS, AND HYPOTHYROIDISM SYNDROME. Identifiers: Orphanet 589856, MedGen C5680310, MONDO:0035651, OMIM 620186.
KMT2D-related disorder. Also called: KMT2D-Related Disorders.

Submissions (3):

PreventionGenetics, part of Exact Sciences
Classification: Uncertain significance for KMT2D-related condition. Last evaluated: 2025-12-30. Review status: criteria provided, single submitter. Criteria: ACMG Guidelines, 2015. Collection method: clinical testing. Allele origin: germline.
Comment: The KMT2D c.2703_2726del24 variant is predicted to result in an in-frame deletion (p.Glu902_Ser909del). To our knowledge, this variant has not been reported in the literature. This variant is reported in 0.0037% of alleles in individuals of Latino descent in gnomAD. At this time, the clinical significance of this variant is uncertain due to the absence of conclusive functional and genetic evidence.

Fulgent Genetics
Classification: Uncertain significance for Kabuki syndrome 1; Choanal atresia-athelia-hypothyroidism-delayed puberty-short stature syndrome. Last evaluated: 2024-05-02. Review status: criteria provided, single submitter. Criteria: ACMG Guidelines, 2015. Collection method: clinical testing. Allele origin: germline.

Labcorp Genetics (formerly Invitae), Labcorp
Classification: Uncertain significance for Kabuki syndrome. Last evaluated: 2023-10-22. Review status: criteria provided, single submitter. Criteria: Invitae Variant Classification Sherloc (09022015). Collection method: clinical testing. Allele origin: germline.
Comment: This variant, c.2703_2726del, results in the deletion of 8 amino acid(s) of the KMT2D protein (p.Glu902_Ser909del), but otherwise preserves the integrity of the reading frame. The frequency data for this variant in the population databases is considered unreliable, as metrics indicate poor data quality at this position in the gnomAD database. This variant has not been reported in the literature in individuals affected with KMT2D-related conditions. ClinVar contains an entry for this variant (Variation ID: 1500661). Experimental studies and prediction algorithms are not available or were not evaluated, and the functional significance of this variant is currently unknown. In summary, the available evidence is currently insufficient to determine the role of this variant in disease. Therefore, it has been classified as a Variant of Uncertain Significance.

NM_003482.4(KMT2D):c.2703_2726del (p.Glu902_Ser909del)

Gene: KMT2D (lysine methyltransferase 2D; minus strand). Cytogenetic location: 12q13.12.
Variant type: Deletion.
Coding change: c.2703_2726del on transcript NM_003482.4 (MANE Select); coding-DNA positions 2703 to 2726, 24 bases deleted (TGAGCCTGGGGAACCACCTCTGTC).
Protein change: p.Glu902_Ser909del.
Molecular consequence: inframe deletion.
Genome position (GRCh38, 1-based): chr12:49,050,957-49,050,980, GACAGAGGTGGTTCCCCAGGCTCA deleted on the plus strand (TGAGCCTGGGGAACCACCTCTGTC on the coding strand, the reverse complement: KMT2D is on the minus strand); deleting any 24 consecutive bases within chr12:49,050,957-49,050,985 gives the same sequence; the c. name uses the placement nearest the transcript's 3' end. VCF-style (leftmost placement, unchanged base first): chr12-49050956-GGACAGAGGTGGTTCCCCAGGCTCA-G. GRCh37 (hg19) VCF-style: chr12-49444739-GGACAGAGGTGGTTCCCCAGGCTCA-G.
Other names: c.2703_2726del24 (NM_003482.3).
Identifiers: ClinVar variation 1500661 (VCV001500661.8), dbSNP rs1384999674, ClinGen allele CA605234054.
Genomic context (GRCh38, chr12:49,050,956, plus strand): 5'-CAGCTGAGGCGACAAGGATGGCTCCCCAGATGGGGACAACGGCAGCTCCTCGGGCAGAGG[GGACAGAGGTGGTTCCCCAGGCTCA>G]GACAGGGCTGGCTCTCCAAGCAAGGGAGATAAGGATGGTTCCCCAGGGGGAGGGAACAAG-3'